The following is an entry in ClinVar:

NM_022051.3(EGLN1):c.243_257dup (p.Pro86_Arg87insAlaValProProPro)

Gene: EGLN1 (egl-9 family hypoxia inducible factor 1; minus strand). Cytogenetic location: 1q42.2.
Variant type: Duplication.
Coding change: c.243_257dup on transcript NM_022051.3 (MANE Select); coding-DNA positions 243 to 257, 15 bases duplicated (TGCAGTGCCGCCGCC).
Protein change: p.Pro86_Arg87insAlaValProProPro.
Molecular consequence: inframe insertion.
Genome position (GRCh38, 1-based): chr1:231,421,632-231,421,646, GGCGGCGGCACTGCA duplicated on the plus strand (TGCAGTGCCGCCGCC on the coding strand, the reverse complement: EGLN1 is on the minus strand); duplicating any 15 consecutive bases within chr1:231,421,632-231,421,647 gives the same sequence; the c. name uses the placement nearest the transcript's 3' end. VCF-style (leftmost placement, unchanged base first): chr1-231421631-G-GGGCGGCGGCACTGCA. GRCh37 (hg19) VCF-style: chr1-231557377-G-GGGCGGCGGCACTGCA.
Other names: c.243_257dup, p.Pro86_Arg87insAlaValProProPro (NM_001377260.1, NM_001377261.1).
Identifiers: ClinVar variation 2126088 (VCV002126088.4), dbSNP rs2527361041, ClinGen allele CA2580062290.

ClinVar aggregate classification (germline): Uncertain significance (1 of 4 stars; one submission).

Conditions:
Erythrocytosis, familial, 3 (ECYT3). Identifiers: Orphanet 247511, MedGen C1853286, MONDO:0012353, OMIM 609820.

Submission:

Labcorp Genetics (formerly Invitae), Labcorp
Classification: Uncertain significance for Erythrocytosis, familial, 3. Last evaluated: 2022-04-13. Review status: criteria provided, single submitter. Criteria: Invitae Variant Classification Sherloc (09022015). Collection method: clinical testing. Allele origin: germline.
Comment: This variant has not been reported in the literature in individuals affected with EGLN1-related conditions. This variant, c.243_257dup, results in the insertion of 5 amino acid(s) of the EGLN1 protein (p.Ala82_Pro86dup), but otherwise preserves the integrity of the reading frame. This variant is not present in population databases (gnomAD no frequency). In summary, the available evidence is currently insufficient to determine the role of this variant in disease. Therefore, it has been classified as a Variant of Uncertain Significance.